The following is an entry in ClinVar:

ClinVar aggregate classification (germline): Conflicting classifications of pathogenicity. Review status: criteria provided, conflicting classifications (1 of 4 stars). 5 submissions from 5 submitters: Likely pathogenic (2); Uncertain significance (3). Last evaluated 2026-09-08.

Conditions:
Fabry disease. Also called: Ceramide trihexosidosis; GLA DEFICIENCY; HEREDITARY DYSTOPIC LIPIDOSIS; Angiokeratoma corporis diffusum; Fabry's disease; ALPHA-GALACTOSIDASE A DEFICIENCY. Identifiers: Orphanet 324, MedGen C0002986, MONDO:0010526, OMIM 301500, HP:0001071. Disease mechanism: Fabry disease is due to inactivating mutations in the X-linked GLA gene resulting in deficiency of the enzyme Alpha Galactosidase-A., loss of function.

Allele frequency attached by ClinVar (database versions not stated): TOPMed below 0.00001; gnomAD 0.00001; gnomAD exomes 0.00001.
gnomAD v4.1: 6 of 1,210,191 alleles (0.0005%); highest among the groups gnomAD compares: Non-Finnish European, 0.00067%; no homozygotes.

Submissions (5):

Genomenon, Inc
Classification: Uncertain significance for Fabry disease. Last evaluated: 2026-09-08. Review status: criteria provided, single submitter. Criteria: Genomenon Sequence Variant Interpretation Standards - Updated. Collection method: curation. Allele origin: germline. Affected: yes.
Comment: GLA p.Pro343Leu (c.1028C>T) is a missense variant that changes the amino acid at codon 343 from Proline to Leucine. This variant has been observed in at least one proband with clinical features consistent with Fabry disease (PMID:23864039). Functional or patient cell studies have been reported (PMID:31036492;27657681;23864039). It is absent or not present at a significant frequency in gnomAD. In silico models predict that this variant is possibly or probably damaging. In conclusion, we classify GLA p.Pro343Leu (c.1028C>T) as a variant of uncertain significance.

Genetics Laboratory, Great Ormond Street Hospital NHS Foundation Trust, North Thames Genomic Laboratory Hub
Classification: Likely pathogenic for Fabry disease. Last evaluated: 2025-10-03. Review status: criteria provided, single submitter. Criteria: ACGS Best Practice Guidelines for Variant Classification in Rare Disease 2024 v1.2. Collection method: clinical testing. Allele origin: germline. Affected: yes.
Comment: PS4_supporting, PM2_moderate, PP3_supporting, PS3_supporting, PP4_supporting

Labcorp Genetics (formerly Invitae), Labcorp
Classification: Uncertain significance for Fabry disease. Last evaluated: 2022-07-22. Review status: criteria provided, single submitter. Criteria: Invitae Variant Classification Sherloc (09022015). Collection method: clinical testing. Allele origin: germline.
Comment: This sequence change replaces proline, which is neutral and non-polar, with leucine, which is neutral and non-polar, at codon 343 of the GLA protein (p.Pro343Leu). This variant is present in population databases (no rsID available, gnomAD 0.001%). This missense change has been observed in individual(s) with clinical features of Fabry disease (PMID: 15702404). ClinVar contains an entry for this variant (Variation ID: 1324471). Algorithms developed to predict the effect of missense changes on protein structure and function are either unavailable or do not agree on the potential impact of this missense change (SIFT: "Deleterious"; PolyPhen-2: "Probably Damaging"; Align-GVGD: "Class C0"). In summary, the available evidence is currently insufficient to determine the role of this variant in disease. Therefore, it has been classified as a Variant of Uncertain Significance.

Revvity Omics, Revvity
Classification: Likely pathogenic. Last evaluated: 2021-06-15. Review status: criteria provided, single submitter. Criteria: ACMG Guidelines, 2015. Collection method: clinical testing. Allele origin: germline.

Color Diagnostics, LLC DBA Color Health
Classification: Uncertain significance for Fabry disease. Last evaluated: 2021-05-05. Review status: criteria provided, single submitter. Criteria: ACMG Guidelines, 2015. Collection method: clinical testing. Allele origin: germline.
Comment: This missense variant replaces proline with leucine at codon 343 of the GLA protein. Computational prediction suggests that this variant may have deleterious impact on protein structure and function (internally defined REVEL score threshold >= 0.7, PMID: 27666373). Functional studies have shown that this variant leads to reduced alpha-galactosidase A (GLA) enzyme activity in transfected cells (PMID: 27657681, 31036492). This variant has been reported in an individual affected with Fabry disease with cardiac symptoms (PMID: 15702404), as well as in an individual affected with systemic lupus erythematosus, anti-phospholipid syndrome, and Fabry’s disease who had low GLA enzyme activity (PMID: 23864039). This variant has been identified in 1/182975 chromosomes in the general population by the Genome Aggregation Database (gnomAD). The available evidence is insufficient to determine the role of this variant in disease conclusively. Therefore, this variant is classified as a Variant of Uncertain Significance.

Literature cited by the submitters: PubMed 23864039 (cited by Genomenon, Inc); PubMed 31036492 (cited by Genomenon, Inc); PubMed 27657681 (cited by Genomenon, Inc); PubMed 15702404 (cited by Labcorp Genetics (formerly Invitae), Labcorp).

NM_000169.3(GLA):c.1028C>T (p.Pro343Leu)

Genes: GLA (galactosidase alpha; minus strand), RPL36A-HNRNPH2 (RPL36A-HNRNPH2 readthrough; plus strand). Cytogenetic location: Xq22.1.
Variant type: single nucleotide variant.
Coding change: c.1028C>T on transcript NM_000169.3 (MANE Select); coding-DNA position 1028, C replaced by T.
Protein change: p.Pro343Leu; replaces proline 343 with leucine.
Molecular consequence: missense variant. On other transcripts: non-coding transcript variant (3), intron variant (2).
Genome position (GRCh38, 1-based): chrX:101,398,071, G>A on the plus strand (C>T on the coding strand, the complement: GLA is on the minus strand). VCF-style: chrX-101398071-G-A. GRCh37 (hg19) VCF-style: chrX-100653059-G-A.
Other names: c.1151C>T, p.Pro384Leu (NM_001406747.1); c.300+2614G>A (NM_001199973.2); c.177+6249G>A (NM_001199974.2); short protein forms P343L, P384L.
Identifiers: ClinVar variation 1324471 (VCV001324471.11), dbSNP rs1555984858, ClinGen allele CA413921198.
Genomic context (GRCh38, chrX:101,398,071, plus strand): 5'-CGAGGTCCACCAATCTCCTGCCGGTTTATCATAGCTACAGCCCAGGCTAAGCCTGAGAGA[G>A]GTCGTTCCCACACTTCAAAGTTGTCTCCCTGAAAAACCAAGAAAGTGTGGTTGCTTAGCA-3'
Protein context (NP_000160.1, residues 333-353): QGDNFEVWER[Pro343Leu]LSGLAWAVAM